The following is an entry in ClinVar:

NM_001845.6(COL4A1):c.3387del (p.Gly1130fs)

Gene: COL4A1 (collagen type IV alpha 1 chain; minus strand). Cytogenetic location: 13q34.
Variant type: Deletion.
Coding change: c.3387del on transcript NM_001845.6 (MANE Select); coding-DNA position 3387, one base deleted (T; older notation c.3387delT).
Protein change: p.Gly1130fs; shifts the reading frame from glycine 1130.
Molecular consequence: frameshift variant.
Genome position (GRCh38, 1-based): chr13:110,174,465, A deleted on the plus strand (T on the coding strand, the reverse complement: COL4A1 is on the minus strand). VCF-style (leftmost placement, unchanged base first): chr13-110174464-CA-C. GRCh37 (hg19) VCF-style: chr13-110826811-CA-C.
Other names: short protein forms G1130fs.
Identifiers: ClinVar variation 4711998 (VCV004711998.1).

ClinVar aggregate classification (germline): Pathogenic (1 of 4 stars; one submission).

Submission:

Labcorp Genetics (formerly Invitae), Labcorp
Classification: Pathogenic. Last evaluated: 2025-08-14. Review status: criteria provided, single submitter. Criteria: Invitae Variant Classification Sherloc (09022015). Collection method: clinical testing. Allele origin: germline.
Comment: This sequence change creates a premature translational stop signal (p.Gly1130Valfs*67) in the COL4A1 gene. It is expected to result in an absent or disrupted protein product. Loss-of-function variants in COL4A1 are known to be pathogenic (PMID: 23225343). This variant is not present in population databases (gnomAD no frequency). This variant has not been reported in the literature in individuals affected with COL4A1-related conditions. For these reasons, this variant has been classified as Pathogenic.

Literature cited by the submitters: PubMed 23225343.